The following is an entry in ClinVar:

ClinVar aggregate classification (germline): Benign/Likely benign. Review status: criteria provided, multiple submitters, no conflicts (2 of 4 stars). 3 submissions from 3 submitters: Benign (1); Likely benign (1). 1 of the submissions does not count toward it. Last evaluated 2025-12-29.

Conditions:
ODAD2-related disorder. Also called: ODAD2-related condition.
Primary ciliary dyskinesia 23 (CILD23). Also called: CILIARY DYSKINESIA, PRIMARY, 23, WITH OR WITHOUT SITUS INVERSUS. Identifiers: Orphanet 244, MedGen C3809548, MONDO:0014193, OMIM 615451.
Primary ciliary dyskinesia. Also called: Ciliary dyskinesia. Identifiers: Orphanet 244, MedGen C0008780, MONDO:0016575, HP:0012265.

Allele frequency attached by ClinVar (database versions not stated): gnomAD 0.00004; gnomAD exomes 0.00005 and 0.00034; TOPMed 0.00012; ExAC 0.00043.
gnomAD v4.1: 83 of 1,583,426 alleles (0.0052%); highest among the groups gnomAD compares: Admixed American, 0.13%; 2 homozygotes.

Submissions (3):

Labcorp Genetics (formerly Invitae), Labcorp
Classification: Benign for Primary ciliary dyskinesia 23. Last evaluated: 2025-12-29. Review status: criteria provided, single submitter. Criteria: Invitae Variant Classification Sherloc (09022015). Collection method: clinical testing. Allele origin: germline.

Ambry Genetics
Classification: Likely benign for Primary ciliary dyskinesia. Last evaluated: 2023-08-07. Review status: criteria provided, single submitter. Criteria: Ambry Variant Classification Scheme 2023. Collection method: clinical testing. Allele origin: germline.

PreventionGenetics, part of Exact Sciences
Classification: Likely benign for ODAD2-related condition. Last evaluated: 2019-07-29. Review status: no assertion criteria provided. Collection method: clinical testing. Allele origin: germline. Not counted in ClinVar's aggregate classification.
Comment: This variant is classified as likely benign based on ACMG/AMP sequence variant interpretation guidelines (Richards et al. 2015 PMID: 25741868, with internal and published modifications).

NM_018076.5(ODAD2):c.423T>C (p.Tyr141=)

Gene: ODAD2 (outer dynein arm docking complex subunit 2; minus strand). Cytogenetic location: 10p12.1.
Variant type: single nucleotide variant.
Coding change: c.423T>C on transcript NM_018076.5 (MANE Select); coding-DNA position 423, T replaced by C.
Protein change: p.Tyr141=; no amino-acid change (tyrosine 141 retained).
Molecular consequence: synonymous variant.
Genome position (GRCh38, 1-based): chr10:27,985,171, A>G on the plus strand (T>C on the coding strand, the complement: ODAD2 is on the minus strand). VCF-style: chr10-27985171-A-G. GRCh37 (hg19) VCF-style: chr10-28274100-A-G.
Other names: c.423T>C, p.Tyr141= (NM_001290020.2); c.423T>C (NM_018076.4).
Identifiers: ClinVar variation 474588 (VCV000474588.15), dbSNP rs759039864, ClinGen allele CA5453816.